The following is an entry in ClinVar:

ClinVar aggregate classification (germline): Uncertain significance (1 of 4 stars; one submission).

Conditions:
Inborn genetic diseases. Identifiers: MedGen C0950123, MeSH D030342.

Submission:

Ambry Genetics
Classification: Uncertain significance for Inborn genetic diseases. Last evaluated: 2024-11-28. Review status: criteria provided, single submitter. Criteria: Ambry Variant Classification Scheme 2023. Collection method: clinical testing. Allele origin: germline.
Comment: The p.V643D variant (also known as c.1928T>A), located in coding exon 22 of the RTEL1 gene, results from a T to A substitution at nucleotide position 1928. The valine at codon 643 is replaced by aspartic acid, an amino acid with highly dissimilar properties. This amino acid position is conserved. In addition, this alteration is predicted to be deleterious by in silico analysis. Based on the available evidence, the clinical significance of this variant remains unclear.

NM_001283009.2(RTEL1):c.1928T>A (p.Val643Asp)

Genes: RTEL1 (regulator of telomere elongation helicase 1; plus strand), RTEL1-TNFRSF6B (RTEL1-TNFRSF6B readthrough (NMD candidate); plus strand). Cytogenetic location: 20q13.33.
Variant type: single nucleotide variant.
Coding change: c.1928T>A on transcript NM_001283009.2 (MANE Select); coding-DNA position 1928, T replaced by A.
Protein change: p.Val643Asp; replaces valine 643 with aspartic acid.
Molecular consequence: missense variant. On other transcripts: non-coding transcript variant (1).
Genome position (GRCh38, 1-based): chr20:63,689,551, T>A. VCF-style: chr20-63689551-T-A. GRCh37 (hg19) VCF-style: chr20-62320904-T-A.
Other names: c.1259T>A, p.Val420Asp (NM_001283010.1); c.1928T>A, p.Val643Asp (NM_016434.4); c.2000T>A, p.Val667Asp (NM_032957.5); short protein forms V420D, V643D, V667D.
Identifiers: ClinVar variation 3435997 (VCV003435997.1).